The following is an entry in ClinVar:

ClinVar aggregate classification (germline): Uncertain significance. Review status: criteria provided, multiple submitters, no conflicts (2 of 4 stars). 2 submissions from 2 submitters: Uncertain significance (2). Last evaluated 2022-08-31.

Conditions:
Epilepsy, familial adult myoclonic, 5 (EPEO5). Also called: CORTICAL MYOCLONIC TREMOR WITH EPILEPSY, FAMILIAL, 5. Identifiers: Orphanet 86814, MedGen C3809374, MONDO:0014167, OMIM 615400.

Allele frequency attached by ClinVar (database versions not stated): TOPMed 0.00003; gnomAD exomes 0.00005; gnomAD 0.00002 and 0.00003; 1000 Genomes Project 30x 0.00031; 1000 Genomes Project 0.00040; ExAC 0.00005.

Submissions (2):

Labcorp Genetics (formerly Invitae), Labcorp
Classification: Uncertain significance for Epilepsy, familial adult myoclonic, 5. Last evaluated: 2022-08-31. Review status: criteria provided, single submitter. Criteria: Invitae Variant Classification Sherloc (09022015). Collection method: clinical testing. Allele origin: germline.
Comment: This sequence change replaces arginine, which is basic and polar, with tryptophan, which is neutral and slightly polar, at codon 480 of the CNTN2 protein (p.Arg480Trp). This variant is present in population databases (rs200089665, gnomAD 0.03%). This variant has not been reported in the literature in individuals affected with CNTN2-related conditions. ClinVar contains an entry for this variant (Variation ID: 654139). Advanced modeling of protein sequence and biophysical properties (such as structural, functional, and spatial information, amino acid conservation, physicochemical variation, residue mobility, and thermodynamic stability) performed at Invitae indicates that this missense variant is not expected to disrupt CNTN2 protein function. In summary, the available evidence is currently insufficient to determine the role of this variant in disease. Therefore, it has been classified as a Variant of Uncertain Significance.

ARUP Laboratories, Molecular Genetics and Genomics, ARUP Laboratories
Classification: Uncertain significance for Epilepsy, familial adult myoclonic, 5. Review status: criteria provided, single submitter. Criteria: ARUP Molecular Germline Variant Investigation Process 2024. Collection method: clinical testing. Allele origin: germline.

NM_005076.5(CNTN2):c.1438C>T (p.Arg480Trp)

Gene: CNTN2 (contactin 2; plus strand). Cytogenetic location: 1q32.1.
Variant type: single nucleotide variant.
Coding change: c.1438C>T on transcript NM_005076.5 (MANE Select); coding-DNA position 1438, C replaced by T.
Protein change: p.Arg480Trp; replaces arginine 480 with tryptophan.
Molecular consequence: missense variant. On other transcripts: non-coding transcript variant (1).
Genome position (GRCh38, 1-based): chr1:205,064,669, C>T. VCF-style: chr1-205064669-C-T. GRCh37 (hg19) VCF-style: chr1-205033797-C-T.
Other names: c.1438C>T, p.Arg480Trp (NM_001346083.2); short protein forms R480W.
Identifiers: ClinVar variation 654139 (VCV000654139.7), dbSNP rs200089665, ClinGen allele CA1351385.